The following is an entry in ClinVar:

ClinVar aggregate classification (germline): Benign/Likely benign. Review status: criteria provided, multiple submitters, no conflicts (2 of 4 stars). 12 submissions from 12 submitters: Benign (8); Likely benign (3). 1 of the submissions does not count toward it. Last evaluated 2026-09-01.

Conditions:
GRIN2A-related complex neurodevelopmental disorder. Also called: GRIN2A-related condition; GRIN2A-related disorder. Identifiers: MedGen CN379781, MONDO:1060139.
Inborn genetic diseases. Identifiers: MedGen C0950123, MeSH D030342.
Landau-Kleffner syndrome (FESD). Also called: APHASIA, ACQUIRED, WITH EPILEPSY; EPILEPSY, FOCAL, WITH SPEECH DISORDER AND WITH OR WITHOUT MENTAL RETARDATION. Identifiers: Orphanet 1945, Orphanet 725, Orphanet 98818, MedGen C0282512, MONDO:0009509, OMIM 245570.

Allele frequency attached by ClinVar (database versions not stated): 1000 Genomes Project 30x 0.00468; 1000 Genomes Project 0.00499; gnomAD exomes 0.00619 and 0.00630; ExAC 0.00646; TOPMed 0.00690; gnomAD 0.00742 and 0.00763; ESP Exome Variant Server 0.00808.
gnomAD v4.1: 10,168 of 1,613,968 alleles (0.63%); highest among the groups gnomAD compares: African/African-American, 1.1%; 48 homozygotes.

Submissions (12):

CeGaT Center for Human Genetics Tuebingen
Classification: Benign. Last evaluated: 2026-09-01. Review status: criteria provided, single submitter. Criteria: CeGaT Center For Human Genetics Tuebingen Variant Classification Criteria Version 2. Collection method: clinical testing. Allele origin: germline. Affected: yes. Observed: 59 variant alleles.
Comment: GRIN2A: BP4, BP7, BS1, BS2

Labcorp Genetics (formerly Invitae), Labcorp
Classification: Benign for Landau-Kleffner syndrome. Last evaluated: 2026-02-02. Review status: criteria provided, single submitter. Criteria: Invitae Variant Classification Sherloc (09022015). Collection method: clinical testing. Allele origin: germline.

Athena Diagnostics
Classification: Benign. Last evaluated: 2025-06-27. Review status: criteria provided, single submitter. Criteria: Athena Diagnostics Criteria. Collection method: clinical testing. Allele origin: unknown.
Comment: The frequency of this variant in the general population is higher than would generally be expected for pathogenic variants in this gene.

ARUP Laboratories, Molecular Genetics and Genomics, ARUP Laboratories
Classification: Benign for Landau-Kleffner syndrome. Last evaluated: 2023-11-28. Review status: criteria provided, single submitter. Criteria: ARUP Molecular Germline Variant Investigation Process 2024. Collection method: clinical testing. Allele origin: germline.

Illumina Laboratory Services, Illumina
Classification: Benign for Landau-Kleffner syndrome. Last evaluated: 2018-01-13. Review status: criteria provided, single submitter. Criteria: ICSL Variant Classification Criteria 13 December 2019. Collection method: clinical testing. Allele origin: germline.
Comment: This variant was observed in the ICSL laboratory as part of a predisposition screen in an ostensibly healthy population. It had not been previously curated by ICSL or reported in the Human Gene Mutation Database (HGMD: prior to June 1st, 2018), and was therefore a candidate for classification through an automated scoring system. Utilizing variant allele frequency, disease prevalence and penetrance estimates, and inheritance mode, an automated score was calculated to assess if this variant is too frequent to cause the disease. Based on the score and internal cut-off values, a variant classified as benign is not then subjected to further curation. The score for this variant resulted in a classification of benign for this disease.

Clinical Genetics DNA and cytogenetics Diagnostics Lab, Erasmus MC, Erasmus Medical Center
Classification: Likely benign for Landau-Kleffner syndrome. Last evaluated: 2017-06-28. Review status: criteria provided, single submitter. Criteria: ACGS Guidelines, 2013. Collection method: clinical testing. Allele origin: germline. Affected: yes. Study: VKGL Data-share Consensus.

Ambry Genetics
Classification: Benign for Inborn genetic diseases. Last evaluated: 2016-06-21. Review status: criteria provided, single submitter. Criteria: Ambry Variant Classification Scheme 2023. Collection method: clinical testing. Allele origin: germline.

Genetic Services Laboratory, University of Chicago
Classification: Benign. Last evaluated: 2016-03-04. Review status: criteria provided, single submitter. Criteria: ACMG Guidelines, 2015. Collection method: clinical testing. Allele origin: germline. Affected: no.

Genome Diagnostics Laboratory, University Medical Center Utrecht
Classification: Likely benign for Landau-Kleffner syndrome. Last evaluated: 2016-01-14. Review status: criteria provided, single submitter. Criteria: ACGS Guidelines, 2013. Collection method: clinical testing. Allele origin: germline. Affected: yes. Study: VKGL Data-share Consensus.

GeneDx
Classification: Benign. Last evaluated: 2013-12-20. Review status: criteria provided, single submitter. Criteria: GeneDx Variant Classification (06012015). Collection method: clinical testing. Allele origin: germline. Affected: yes.
Comment: This variant is considered likely benign or benign based on one or more of the following criteria: it is a conservative change, it occurs at a poorly conserved position in the protein, it is predicted to be benign by multiple in silico algorithms, and/or has population frequency not consistent with disease.

Breakthrough Genomics
Classification: Likely benign. Review status: criteria provided, single submitter. Criteria: ACMG Guidelines, 2015. Collection method: not provided. Allele origin: germline. Inheritance: Autosomal dominant inheritance. Affected: yes.

PreventionGenetics, part of Exact Sciences
Classification: Benign for GRIN2A-related condition. Last evaluated: 2024-03-13. Review status: no assertion criteria provided. Collection method: clinical testing. Allele origin: germline. Not counted in ClinVar's aggregate classification.
Comment: This variant is classified as benign based on ACMG/AMP sequence variant interpretation guidelines (Richards et al. 2015 PMID: 25741868, with internal and published modifications).

Literature cited by the submitters: PubMed 23933818 (cited by Athena Diagnostics); PubMed 23408766 (cited by Athena Diagnostics).

NM_001134407.3(GRIN2A):c.2190C>T (p.Tyr730=)

Gene: GRIN2A (glutamate ionotropic receptor NMDA type subunit 2A; minus strand). Cytogenetic location: 16p13.2.
Variant type: single nucleotide variant.
Coding change: c.2190C>T on transcript NM_001134407.3 (MANE Select); coding-DNA position 2190, C replaced by T.
Protein change: p.Tyr730=; no amino-acid change (tyrosine 730 retained).
Molecular consequence: synonymous variant.
Genome position (GRCh38, 1-based): chr16:9,798,443, G>A on the plus strand (C>T on the coding strand, the complement: GRIN2A is on the minus strand). VCF-style: chr16-9798443-G-A. GRCh37 (hg19) VCF-style: chr16-9892300-G-A.
Other names: p.Y730Y:TAC>TAT; c.2190C>T, p.Tyr730= (NM_000833.5, NM_001134408.2).
Identifiers: ClinVar variation 129193 (VCV000129193.59), dbSNP rs61753382, ClinGen allele CA288894.